The following is an entry in ClinVar:

NM_000489.6(ATRX):c.2057A>G (p.Lys686Arg)

Gene: ATRX (ATRX chromatin remodeler; minus strand). Cytogenetic location: Xq21.1.
Variant type: single nucleotide variant.
Coding change: c.2057A>G on transcript NM_000489.6 (MANE Select); coding-DNA position 2057, A replaced by G.
Protein change: p.Lys686Arg; replaces lysine 686 with arginine.
Molecular consequence: missense variant.
Genome position (GRCh38, 1-based): chrX:77,683,199, T>C on the plus strand (A>G on the coding strand, the complement: ATRX is on the minus strand). VCF-style: chrX-77683199-T-C. GRCh37 (hg19) VCF-style: chrX-76938691-T-C.
Other names: c.1943A>G, p.Lys648Arg (NM_138270.5); c.2057A>G (NM_000489.5); short protein forms K686R, K648R.
Identifiers: ClinVar variation 1463741 (VCV001463741.7), dbSNP rs1557140371, ClinGen allele CA413714851.

ClinVar aggregate classification (germline): Uncertain significance. Review status: criteria provided, single submitter (1 of 4 stars). 2 submissions from 2 submitters: Uncertain significance (1). 1 of the submissions does not count toward it. Last evaluated 2021-07-26.

Conditions:
Alpha thalassemia-X-linked intellectual disability syndrome (ATRX). Also called: X-linked alpha-thalassemia-mental retardation syndrome; ALPHA-THALASSEMIA/IMPAIRED INTELLECTUAL DEVELOPMENT SYNDROME, X-LINKED; ALPHA-THALASSEMIA/MENTAL RETARDATION SYNDROME, X-LINKED; ATR, NONDELETION TYPE; ATR-X syndrome; Alpha thalassemia mental retardation syndrome, nondeletion type, X-linked. Identifiers: Orphanet 847, MedGen C1845055, MONDO:0010519, OMIM 301040.

Allele frequency attached by ClinVar (database versions not stated): gnomAD exomes below 0.00001 and 0.00001.

Submissions (2):

Labcorp Genetics (formerly Invitae), Labcorp
Classification: Uncertain significance for Alpha thalassemia-X-linked intellectual disability syndrome. Last evaluated: 2021-07-26. Review status: criteria provided, single submitter. Criteria: Invitae Variant Classification Sherloc (09022015). Collection method: clinical testing. Allele origin: germline.
Comment: Advanced modeling of protein sequence and biophysical properties (such as structural, functional, and spatial information, amino acid conservation, physicochemical variation, residue mobility, and thermodynamic stability) performed at Invitae indicates that this missense variant is not expected to disrupt ATRX protein function. This variant has not been reported in the literature in individuals affected with ATRX-related conditions. This variant is not present in population databases (ExAC no frequency). This sequence change replaces lysine with arginine at codon 686 of the ATRX protein (p.Lys686Arg). The lysine residue is moderately conserved and there is a small physicochemical difference between lysine and arginine. In summary, the available evidence is currently insufficient to determine the role of this variant in disease. Therefore, it has been classified as a Variant of Uncertain Significance.

Natera, Inc.
Classification: Uncertain significance for X-linked alpha-thalassemia-mental retardation syndrome. Last evaluated: 2025-02-17. Review status: no assertion criteria provided. Collection method: clinical testing. Allele origin: germline. Not counted in ClinVar's aggregate classification.